The following is an entry in ClinVar:

ClinVar aggregate classification (germline): Conflicting classifications of pathogenicity. Review status: criteria provided, conflicting classifications (1 of 4 stars). 6 submissions from 6 submitters: Pathogenic (4); Likely pathogenic (1); Uncertain significance (1). Last evaluated 2024-03-21.

Conditions:
Wilson disease (WND). Also called: Wilson's disease. Identifiers: Orphanet 905, MedGen C0019202, MONDO:0010200, OMIM 277900. Disease mechanism: loss of function.

Submissions (6):

Fulgent Genetics
Classification: Pathogenic for Wilson disease. Last evaluated: 2024-03-21. Review status: criteria provided, single submitter. Criteria: ACMG Guidelines, 2015. Collection method: clinical testing. Allele origin: germline.

Baylor Genetics
Classification: Pathogenic for Wilson disease. Last evaluated: 2024-02-27. Review status: criteria provided, single submitter. Criteria: ACMG Guidelines, 2015. Collection method: clinical testing. Allele origin: unknown.

Chongqing Key Laboratory of Child Rare Diseases in Infection and Immunity, Children’s Hospital of Chongqing Medical University
Classification: Uncertain significance for Wilson disease. Last evaluated: 2024-01-01. Review status: criteria provided, single submitter. Criteria: ACMG Guidelines, 2015. Collection method: clinical testing. Allele origin: germline. Inheritance: Autosomal recessive inheritance. Affected: yes.
Comment: Classified as Uncertain significance according to the ACMG/AMP 2015 guidelines (PMID:25741868). The classification was based on the available submitted evidence for Wilson disease (OMIM:277900), including clinical-testing observations, variant consequence/protein annotation, and published or ClinVar evidence where available. Supporting information considered: variant annotation: p.Ala1295Val; Missense; Protein domain: Core (post-N); submitted notation: NM_000053.4:c.3884C>T (p.Ala1295Val); source variant type: Missense; source domain: Core (post-N); allele count n=230: 1.

Genome-Nilou Lab
Classification: Likely pathogenic for Wilson disease. Last evaluated: 2021-08-10. Review status: criteria provided, single submitter. Criteria: ACMG Guidelines, 2015. Collection method: clinical testing. Allele origin: germline. Affected: no.

Labcorp Genetics (formerly Invitae), Labcorp
Classification: Pathogenic for Wilson disease. Last evaluated: 2020-02-29. Review status: criteria provided, single submitter. Criteria: Invitae Variant Classification Sherloc (09022015). Collection method: clinical testing. Allele origin: germline.
Comment: For these reasons, this variant has been classified as Pathogenic. Algorithms developed to predict the effect of missense changes on protein structure and function are either unavailable or do not agree on the potential impact of this missense change (SIFT: "Deleterious"; PolyPhen-2: "Probably Damaging"; Align-GVGD: "Class C0"). This variant has been observed to segregate with Wilson disease in individuals and families (PMID: 23843956, 27930511, Invitae). In at least one individual the data is consistent with the variant being in trans (on the opposite chromosome) from a pathogenic variant and has also been observed in the homozygous state. This variant is not present in population databases (ExAC no frequency). This sequence change replaces alanine with valine at codon 1295 of the ATP7B protein (p.Ala1295Val). The alanine residue is highly conserved and there is a small physicochemical difference between alanine and valine.

Juno Genomics, Hangzhou Juno Genomics, Inc
Classification: Pathogenic for Wilson disease. Review status: criteria provided, single submitter. Criteria: ACMG Guidelines, 2015. Collection method: clinical testing. Allele origin: germline. Affected: yes.
Comment: Absent from controls (or at extremely low frequency if recessive) in Genome Aggregation Database, Exome Sequencing Project, 1000 Genomes Project, or Exome Aggregation Consortium.;Multiple lines of computational evidence support a deleterious effect on the gene or gene product (conservation, evolutionary, splicing impact, etc).;For recessive disorders, detected in trans with a pathogenic variant.;Patient's phenotype or family history is highly specific for a disease with a single genetic etiology.

Literature cited by the submitters: PubMed 23843956 (cited by Labcorp Genetics (formerly Invitae), Labcorp); PubMed 27930511 (cited by Labcorp Genetics (formerly Invitae), Labcorp).

NM_000053.4(ATP7B):c.3884C>T (p.Ala1295Val)

Gene: ATP7B (ATPase copper transporting beta; minus strand). Cytogenetic location: 13q14.3.
Variant type: single nucleotide variant.
Coding change: c.3884C>T on transcript NM_000053.4 (MANE Select); coding-DNA position 3884, C replaced by T.
Protein change: p.Ala1295Val; replaces alanine 1295 with valine.
Molecular consequence: missense variant.
Genome position (GRCh38, 1-based): chr13:51,937,495, G>A on the plus strand (C>T on the coding strand, the complement: ATP7B is on the minus strand). VCF-style: chr13-51937495-G-A. GRCh37 (hg19) VCF-style: chr13-52511631-G-A.
Other names: c.3263C>T, p.Ala1088Val (NM_001005918.3); c.3551C>T, p.Ala1184Val (NM_001243182.2); c.3650C>T, p.Ala1217Val (NM_001330578.2); c.3632C>T, p.Ala1211Val (NM_001330579.2); short protein forms A1088V, A1184V, A1211V, A1217V, A1295V.
Identifiers: ClinVar variation 660004 (VCV000660004.18), dbSNP rs1340942427, ClinGen allele CA388021441.